The following is an entry in ClinVar:

NM_001848.3(COL6A1):c.589-6C>A

Gene: COL6A1 (collagen type VI alpha 1 chain; plus strand). Cytogenetic location: 21q22.3.
Variant type: single nucleotide variant.
Coding change: c.589-6C>A on transcript NM_001848.3 (MANE Select); 6 bases into the intron before coding-DNA position 589, C replaced by A.
Molecular consequence: intron variant.
Genome position (GRCh38, 1-based): chr21:45,986,938, C>A. VCF-style: chr21-45986938-C-A. GRCh37 (hg19) VCF-style: chr21-47406852-C-A.
Identifiers: ClinVar variation 1311515 (VCV001311515.2), dbSNP rs1243211161, ClinGen allele CA638497684.

ClinVar aggregate classification (germline): Uncertain significance (1 of 4 stars; one submission).

Allele frequency attached by ClinVar (database versions not stated): gnomAD exomes 0.00001; TOPMed 0.00001; gnomAD 0.00002.
gnomAD v4.1: 18 of 1,546,330 alleles (0.0012%); highest among the groups gnomAD compares: African/African-American, 0.0027%; no homozygotes.

Submission:

GeneDx
Classification: Uncertain significance. Last evaluated: 2019-12-23. Review status: criteria provided, single submitter. Criteria: GeneDx Variant Classification Process June 2021. Collection method: clinical testing. Allele origin: germline. Affected: yes.
Comment: Has not been previously published as pathogenic or benign to our knowledge; In-silico analysis, which includes splice predictors and evolutionary conservation, is inconclusive as to whether the variant alters gene splicing; in the absence of RNA/functional studies, the actual effect of this sequence change is unknown